The following is an entry in ClinVar:

ClinVar aggregate classification (germline): Pathogenic. Review status: criteria provided, multiple submitters, no conflicts (2 of 4 stars). 3 submissions from 3 submitters: Pathogenic (3). Last evaluated 2024-06-07.

Conditions:
Fanconi anemia (FA). Also called: Fanconi's anemia. Identifiers: Orphanet 84, MedGen C0015625, MeSH D005199, MONDO:0019391.
Fanconi anemia complementation group A (FANCA). Also called: Fanconi anemia, group A; FANCA-Related Fanconi Anemia. Identifiers: Orphanet 84, MedGen C3469521, MONDO:0009215, OMIM 227650.

gnomAD v4.1: 4 of 1,613,682 alleles (0.00025%); highest among the groups gnomAD compares: Non-Finnish European, 0.00017%; no homozygotes.

Submissions (3):

Fulgent Genetics
Classification: Pathogenic for Fanconi anemia complementation group A. Last evaluated: 2024-06-07. Review status: criteria provided, single submitter. Criteria: ACMG Guidelines, 2015. Collection method: clinical testing. Allele origin: germline.

Labcorp Genetics (formerly Invitae), Labcorp
Classification: Pathogenic for Fanconi anemia. Last evaluated: 2024-01-29. Review status: criteria provided, single submitter. Criteria: Invitae Variant Classification Sherloc (09022015). Collection method: clinical testing. Allele origin: germline.
Comment: This sequence change creates a premature translational stop signal (p.Glu33*) in the FANCA gene. It is expected to result in an absent or disrupted protein product. Loss-of-function variants in FANCA are known to be pathogenic (PMID: 19367192). This variant is not present in population databases (gnomAD no frequency). This premature translational stop signal has been observed in individual(s) with Fanconi anemia (PMID: 29098742). ClinVar contains an entry for this variant (Variation ID: 2414627). For these reasons, this variant has been classified as Pathogenic.

Baylor Genetics
Classification: Pathogenic for Fanconi anemia complementation group A. Last evaluated: 2023-12-13. Review status: criteria provided, single submitter. Criteria: ACMG Guidelines, 2015. Collection method: clinical testing. Allele origin: unknown.

Literature cited by the submitters: PubMed 19367192 (cited by Labcorp Genetics (formerly Invitae), Labcorp); PubMed 29098742 (cited by Labcorp Genetics (formerly Invitae), Labcorp).

NM_000135.4(FANCA):c.97G>T (p.Glu33Ter)

Gene: FANCA (FA complementation group A; minus strand). Cytogenetic location: 16q24.3.
Variant type: single nucleotide variant.
Coding change: c.97G>T on transcript NM_000135.4 (MANE Select); coding-DNA position 97, G replaced by T.
Protein change: p.Glu33Ter; replaces glutamic acid 33 with a stop codon.
Molecular consequence: nonsense.
Genome position (GRCh38, 1-based): chr16:89,815,969, C>A on the plus strand (G>T on the coding strand, the complement: FANCA is on the minus strand). VCF-style: chr16-89815969-C-A. GRCh37 (hg19) VCF-style: chr16-89882377-C-A.
Other names: c.97G>T, p.Glu33Ter (NM_001018112.3, NM_001286167.3, NM_001351830.2); short protein forms E33*.
Identifiers: ClinVar variation 2414627 (VCV002414627.8), dbSNP rs2041101017, ClinGen allele CA397483696.
Genomic context (GRCh38, chr16:89,815,969, plus strand): 5'-TTCGCAGGAGGCGCACAGCTGATTCCTTTAATTTCTGTGCCCTTTCAGGATTATATTTTT[C>A]CCTCTTGACCCTTCCCGCTACGGAGAGAAGTCGGTTCGAAACCATCACAGCACAATTCAC-3'